The following is an entry in ClinVar:

NM_000384.3(APOB):c.7387G>C (p.Ala2463Pro)

Gene: APOB (apolipoprotein B; minus strand). Cytogenetic location: 2p24.1.
Variant type: single nucleotide variant.
Coding change: c.7387G>C on transcript NM_000384.3 (MANE Select); coding-DNA position 7387, G replaced by C.
Protein change: p.Ala2463Pro; replaces alanine 2463 with proline.
Molecular consequence: missense variant.
Genome position (GRCh38, 1-based): chr2:21,009,481, C>G on the plus strand (G>C on the coding strand, the complement: APOB is on the minus strand). VCF-style: chr2-21009481-C-G. GRCh37 (hg19) VCF-style: chr2-21232353-C-G.
Other names: short protein forms A2463P.
Identifiers: ClinVar variation 4282364 (VCV004282364.1), dbSNP rs1384520566.

ClinVar aggregate classification (germline): Uncertain significance (1 of 4 stars; one submission).

Allele frequency attached by ClinVar (database versions not stated): TOPMed below 0.00001 and 0.00001.
gnomAD v4.1: 2 of 1,614,052 alleles (0.00012%); highest among the groups gnomAD compares: Non-Finnish European, 0.00017%; no homozygotes.

Submission:

GeneDx
Classification: Uncertain significance. Last evaluated: 2025-04-16. Review status: criteria provided, single submitter. Criteria: GeneDx Variant Classification Process June 2021. Collection method: clinical testing. Allele origin: germline. Affected: yes.
Comment: Not observed at significant frequency in large population cohorts (gnomAD); In silico analysis indicates that this missense variant does not alter protein structure/function; Has not been previously published as pathogenic or benign to our knowledge